The following is an entry in ClinVar:

NM_004656.4(BAP1):c.750G>A (p.Val250=)

Gene: BAP1 (BRCA1 associated deubiquitinase 1; minus strand). Cytogenetic location: 3p21.1.
Variant type: single nucleotide variant.
Coding change: c.750G>A on transcript NM_004656.4 (MANE Select); coding-DNA position 750, G replaced by A.
Protein change: p.Val250=; no amino-acid change (valine 250 retained).
Molecular consequence: synonymous variant.
Genome position (GRCh38, 1-based): chr3:52,406,286, C>T on the plus strand (G>A on the coding strand, the complement: BAP1 is on the minus strand). VCF-style: chr3-52406286-C-T. GRCh37 (hg19) VCF-style: chr3-52440302-C-T.
Other names: c.750G>A (NM_004656.2).
Identifiers: ClinVar variation 1149847 (VCV001149847.9), dbSNP rs1270417244, ClinGen allele CA433776223.

ClinVar aggregate classification (germline): Conflicting classifications of pathogenicity. Review status: criteria provided, conflicting classifications (1 of 4 stars). 2 submissions from 2 submitters: Uncertain significance (1); Likely benign (1). Last evaluated 2023-04-26.

Conditions:
Hereditary cancer-predisposing syndrome. Also called: Tumor predisposition; Neoplastic Syndromes, Hereditary; Hereditary neoplastic syndrome; Hereditary Cancer Syndrome. Identifiers: Orphanet 140162, MedGen C0027672, MeSH D009386, MONDO:0015356.
BAP1-related tumor predisposition syndrome (TPDS1). Also called: COMMON Syndrome; TUMOR PREDISPOSITION SYNDROME 1; Tumor susceptibility linked to germline BAP1 mutations; BAP1 tumor predisposition syndrome. Identifiers: Orphanet 289539, MedGen C3280492, MONDO:0013692, OMIM 614327.

Allele frequency attached by ClinVar (database versions not stated): gnomAD exomes 0.00001.

Submissions (2):

Ambry Genetics
Classification: Uncertain significance for Hereditary cancer-predisposing syndrome. Last evaluated: 2023-04-26. Review status: criteria provided, single submitter. Criteria: Ambry Variant Classification Scheme 2023. Collection method: clinical testing. Allele origin: germline.
Comment: The c.750G>A variant (also known as p.V250V), located in coding exon 9 of the BAP1 gene, results from a G to A substitution at nucleotide position 750. This nucleotide position is well conserved in available vertebrate species. In silico splice site analysis predicts that this alteration may result in the creation or strengthening of a novel splice donor site. RNA studies have demonstrated that this alteration results in a transcript predicted to lead to a protein with an in-frame deletion of 12 amino acids; however, the exact functional impact of the deleted amino acids is unknown at this time (Ambry internal data). Since supporting evidence is limited at this time, the clinical significance of this alteration remains unclear.

Labcorp Genetics (formerly Invitae), Labcorp
Classification: Likely benign for BAP1-related tumor predisposition syndrome. Last evaluated: 2019-04-22. Review status: criteria provided, single submitter. Criteria: Invitae Variant Classification Sherloc (09022015). Collection method: clinical testing. Allele origin: germline.